The following is an entry in ClinVar:

NM_006031.6(PCNT):c.6421G>T (p.Val2141Phe)

Gene: PCNT (pericentrin; plus strand). Cytogenetic location: 21q22.3.
Variant type: single nucleotide variant.
Coding change: c.6421G>T on transcript NM_006031.6 (MANE Select); coding-DNA position 6421, G replaced by T.
Protein change: p.Val2141Phe; replaces valine 2141 with phenylalanine.
Molecular consequence: missense variant.
Genome position (GRCh38, 1-based): chr21:46,416,339, G>T. VCF-style: chr21-46416339-G-T. GRCh37 (hg19) VCF-style: chr21-47836253-G-T.
Other names: c.6067G>T, p.Val2023Phe (NM_001315529.2); c.6421G>T (NM_006031.5); short protein forms V2023F, V2141F.
Identifiers: ClinVar variation 1500977 (VCV001500977.6), dbSNP rs774154341, ClinGen allele CA10080327.
Genomic context (GRCh38, chr21:46,416,339, plus strand): 5'-GACATATCACCCCACATAGACACATGTGATGCCAATACAGCCACGGGGGGTGTAACTGAT[G>T]TTATCAAAAATCAGGCCATAGACGCGTGTGATGCCAATACAACCCCAGGGGGTGTAACTG-3'
Protein context (NP_006022.3, residues 2131-2151): ANTATGGVTD[Val2141Phe]IKNQAIDACD

ClinVar aggregate classification (germline): Uncertain significance. Review status: criteria provided, multiple submitters, no conflicts (2 of 4 stars). 2 submissions from 2 submitters: Uncertain significance (2). Last evaluated 2026-07-28.

Conditions:
PCNT-related disorder. Also called: PCNT-related condition.

Allele frequency attached by ClinVar (database versions not stated): TOPMed below 0.00001.
gnomAD v4.1: 6 of 1,613,796 alleles (0.00037%); highest among the groups gnomAD compares: Admixed American, 0.01%; no homozygotes.

Submissions (2):

PreventionGenetics, part of Exact Sciences
Classification: Uncertain significance for PCNT-related condition. Last evaluated: 2026-07-28. Review status: criteria provided, single submitter. Criteria: ACMG Guidelines, 2015. Collection method: clinical testing. Allele origin: germline.
Comment: The PCNT c.6421G>T variant is predicted to result in the amino acid substitution p.Val2141Phe. To our knowledge, this variant has not been reported in the literature. This variant is reported in 0.017% of alleles in individuals of Latino descent in gnomAD. At this time, the clinical significance of this variant is uncertain due to the absence of conclusive functional and genetic evidence.

Labcorp Genetics (formerly Invitae), Labcorp
Classification: Uncertain significance. Last evaluated: 2022-10-05. Review status: criteria provided, single submitter. Criteria: Invitae Variant Classification Sherloc (09022015). Collection method: clinical testing. Allele origin: germline.
Comment: This sequence change replaces valine, which is neutral and non-polar, with phenylalanine, which is neutral and non-polar, at codon 2141 of the PCNT protein (p.Val2141Phe). This variant is present in population databases (rs774154341, gnomAD 0.02%). This variant has not been reported in the literature in individuals affected with PCNT-related conditions. ClinVar contains an entry for this variant (Variation ID: 1500977). Algorithms developed to predict the effect of missense changes on protein structure and function are either unavailable or do not agree on the potential impact of this missense change (SIFT: "Tolerated"; PolyPhen-2: "Possibly Damaging"; Align-GVGD: "Class C0"). In summary, the available evidence is currently insufficient to determine the role of this variant in disease. Therefore, it has been classified as a Variant of Uncertain Significance.